The following is an entry in ClinVar:

ClinVar aggregate classification (germline): Uncertain significance (1 of 4 stars; one submission).

Conditions:
ALG1-congenital disorder of glycosylation. Also called: CDG Ik; CONGENITAL DISORDER OF GLYCOSYLATION, TYPE Ik; ALG1-CDG. Identifiers: Orphanet 79327, MedGen C2931005, MONDO:0012052, OMIM 608540.

Submission:

Labcorp Genetics (formerly Invitae), Labcorp
Classification: Uncertain significance for ALG1-congenital disorder of glycosylation. Last evaluated: 2021-11-10. Review status: criteria provided, single submitter. Criteria: Invitae Variant Classification Sherloc (09022015). Collection method: clinical testing. Allele origin: germline.
Comment: This sequence change replaces leucine, which is neutral and non-polar, with arginine, which is basic and polar, at codon 348 of the ALG1 protein (p.Leu348Arg). This variant is not present in population databases (gnomAD no frequency). This variant has not been reported in the literature in individuals affected with ALG1-related conditions. Advanced modeling of protein sequence and biophysical properties (such as structural, functional, and spatial information, amino acid conservation, physicochemical variation, residue mobility, and thermodynamic stability) performed at Invitae indicates that this missense variant is expected to disrupt ALG1 protein function. In summary, the available evidence is currently insufficient to determine the role of this variant in disease. Therefore, it has been classified as a Variant of Uncertain Significance.

NM_019109.5(ALG1):c.1043T>G (p.Leu348Arg)

Gene: ALG1 (ALG1 chitobiosyldiphosphodolichol beta-mannosyltransferase; plus strand). Cytogenetic location: 16p13.3.
Variant type: single nucleotide variant.
Coding change: c.1043T>G on transcript NM_019109.5 (MANE Select); coding-DNA position 1043, T replaced by G.
Protein change: p.Leu348Arg; replaces leucine 348 with arginine.
Molecular consequence: missense variant.
Genome position (GRCh38, 1-based): chr16:5,081,027, T>G. VCF-style: chr16-5081027-T-G. GRCh37 (hg19) VCF-style: chr16-5131028-T-G.
Other names: c.710T>G, p.Leu237Arg (NM_001330504.2); short protein forms L237R, L348R.
Identifiers: ClinVar variation 1491564 (VCV001491564.3), dbSNP rs2142722084, ClinGen allele CA394673044.
Genomic context (GRCh38, chr16:5,081,027, plus strand): 5'-ATTATAGCCGCCTCATCCACCAGAAGCACTTCCAGCACATCCAGGTCTGCACCCCCTGGC[T>G]GGAGGCCGAGGACTACCCCCTGCTTCTAGGTGAGAGGCCAGCAGGAGGCTCAGGGAGGAG-3'
Protein context (NP_061982.3, residues 338-358): FQHIQVCTPW[Leu348Arg]EAEDYPLLLG